The following is an entry in ClinVar:

NM_000051.4(ATM):c.7139G>A (p.Arg2380Lys)

Genes: ATM (ATM serine/threonine kinase; plus strand), C11orf65 (chromosome 11 open reading frame 65; minus strand). Cytogenetic location: 11q22.3.
Variant type: single nucleotide variant.
Coding change: c.7139G>A on transcript NM_000051.4 (MANE Select); coding-DNA position 7139, G replaced by A.
Protein change: p.Arg2380Lys; replaces arginine 2380 with lysine.
Molecular consequence: missense variant. On other transcripts: intron variant (2).
Genome position (GRCh38, 1-based): chr11:108,329,070, G>A. VCF-style: chr11-108329070-G-A. GRCh37 (hg19) VCF-style: chr11-108199797-G-A.
Other names: c.7139G>A, p.Arg2380Lys (NM_001351834.2); c.641-19999C>T (NM_001330368.2); c.*38+6150C>T (NM_001351110.2); short protein forms R2380K.
Identifiers: ClinVar variation 4747252 (VCV004747252.1).
Genomic context (GRCh38, chr11:108,329,070, plus strand): 5'-TTTTCTTGAAGGCAGTAGAAGTTGCTGGAAATTATGATGGAGAAAGTAGTGATGAGCTAA[G>A]AAATGGAAAAATGAAGGCATTTCTCTCATTAGCCCGGTTTTCAGATACTCAATACCAAAG-3'
Protein context (NP_000042.3, residues 2370-2390): NYDGESSDEL[Arg2380Lys]NGKMKAFLSL

ClinVar aggregate classification (germline): Uncertain significance (1 of 4 stars; one submission).

Conditions:
Ataxia-telangiectasia syndrome (AT). Also called: LOUIS-BAR SYNDROME; Cerebello-oculocutaneous telangiectasia; Immunodeficiency with ataxia telangiectasia; Ataxia-telangiectasia, complementation group D; AT, COMPLEMENTATION GROUP C; ATAXIA-TELANGIECTASIA, COMPLEMENTATION GROUP A. Identifiers: Orphanet 100, MedGen C0004135, MONDO:0008840, OMIM 208900.

Submission:

Labcorp Genetics (formerly Invitae), Labcorp
Classification: Uncertain significance for Ataxia-telangiectasia syndrome. Last evaluated: 2025-12-17. Review status: criteria provided, single submitter. Criteria: Invitae Variant Classification Sherloc (09022015). Collection method: clinical testing. Allele origin: germline.
Comment: This sequence change replaces arginine, which is basic and polar, with lysine, which is basic and polar, at codon 2380 of the ATM protein (p.Arg2380Lys). This variant is not present in population databases (gnomAD no frequency). This variant has not been reported in the literature in individuals affected with ATM-related conditions. Invitae Evidence Modeling of protein sequence and biophysical properties (such as structural, functional, and spatial information, amino acid conservation, physicochemical variation, residue mobility, and thermodynamic stability) indicates that this missense variant is not expected to disrupt ATM protein function with a negative predictive value of 95%. In summary, the available evidence is currently insufficient to determine the role of this variant in disease. Therefore, it has been classified as a Variant of Uncertain Significance.